The following is an entry in ClinVar:

ClinVar aggregate classification (germline): Uncertain significance (1 of 4 stars; one submission).

gnomAD v4.1: 6 of 1,591,948 alleles (0.00038%); highest among the groups gnomAD compares: African/African-American, 0.0054%; no homozygotes.

Submission:

GeneDx
Classification: Uncertain significance. Last evaluated: 2024-11-13. Review status: criteria provided, single submitter. Criteria: GeneDx Variant Classification Process June 2021. Collection method: clinical testing. Allele origin: germline. Affected: yes.
Comment: Not observed at significant frequency in large population cohorts (gnomAD); In silico analysis indicates that this variant does not alter splicing; Has not been previously published as pathogenic or benign to our knowledge

NM_001009944.3(PKD1):c.2430C>T (p.Asn810=)

Gene: PKD1 (polycystin 1, transient receptor potential channel interacting; minus strand). Cytogenetic location: 16p13.3.
Variant type: single nucleotide variant.
Coding change: c.2430C>T on transcript NM_001009944.3 (MANE Select); coding-DNA position 2430, C replaced by T.
Protein change: p.Asn810=; no amino-acid change (asparagine 810 retained).
Molecular consequence: synonymous variant.
Genome position (GRCh38, 1-based): chr16:2,114,593, G>A on the plus strand (C>T on the coding strand, the complement: PKD1 is on the minus strand). VCF-style: chr16-2114593-G-A. GRCh37 (hg19) VCF-style: chr16-2164594-G-A.
Other names: c.2430C>T, p.Asn810= (NM_000296.4).
Identifiers: ClinVar variation 3899554 (VCV003899554.1).